The following is an entry in ClinVar:

NM_000059.4(BRCA2):c.2600C>G (p.Thr867Ser)

Gene: BRCA2 (BRCA2 DNA repair associated; plus strand). Cytogenetic location: 13q13.1.
Variant type: single nucleotide variant.
Coding change: c.2600C>G on transcript NM_000059.4 (MANE Select); coding-DNA position 2600, C replaced by G.
Protein change: p.Thr867Ser; replaces threonine 867 with serine.
Molecular consequence: missense variant.
Genome position (GRCh38, 1-based): chr13:32,336,955, C>G. VCF-style: chr13-32336955-C-G. GRCh37 (hg19) VCF-style: chr13-32911092-C-G.
Other names: short protein forms T867S.
Identifiers: ClinVar variation 929057 (VCV000929057.3), dbSNP rs2072460919, ClinGen allele CA387772629.

ClinVar aggregate classification (germline): Conflicting classifications of pathogenicity. Review status: criteria provided, conflicting classifications (1 of 4 stars). 2 submissions from 2 submitters: Uncertain significance (1); Likely benign (1). Last evaluated 2023-03-23.

Conditions:
Hereditary cancer-predisposing syndrome. Also called: Neoplastic Syndromes, Hereditary; Hereditary Cancer Syndrome; Tumor predisposition; Hereditary neoplastic syndrome. Identifiers: Orphanet 140162, MedGen C0027672, MeSH D009386, MONDO:0015356.

Submissions (2):

University of Washington Department of Laboratory Medicine, University of Washington
Classification: Likely benign for Hereditary cancer-predisposing syndrome. Last evaluated: 2023-03-23. Review status: criteria provided, single submitter. Criteria: Dines et al. (Genet Med. 2020). Collection method: curation. Allele origin: germline.
Comment: Missense variant in a coldspot region where missense variants are very unlikely to be pathogenic (PMID:31911673).

BRCA2 exon 11 coldspot. Reclassification based on statistical prior probability.

Women's Health and Genetics/Laboratory Corporation of America, LabCorp
Classification: Uncertain significance. Last evaluated: 2019-11-04. Review status: criteria provided, single submitter. Criteria: LabCorp Variant Classification Summary - May 2015. Collection method: clinical testing. Allele origin: germline.
Comment: Variant summary: BRCA2 c.2600C>G (p.Thr867Ser) results in a conservative amino acid change in the encoded protein sequence. Five of five in-silico tools predict a benign effect of the variant on protein function. The variant was absent in 221510 control chromosomes (gnomAD). The available data on variant occurrences in the general population are insufficient to allow any conclusion about variant significance. To our knowledge, no occurrence of c.2600C>G in individuals affected with Hereditary Breast and Ovarian Cancer and no experimental evidence demonstrating its impact on protein function have been reported. No clinical diagnostic laboratories have submitted clinical-significance assessments for this variant to ClinVar after 2014. Based on the evidence outlined above, the variant was classified as uncertain significance.